The following is an entry in ClinVar:

ClinVar aggregate classification (germline): Likely benign. Review status: criteria provided, multiple submitters, no conflicts (2 of 4 stars). 3 submissions from 3 submitters: Likely benign (2). 1 of the submissions does not count toward it. Last evaluated 2026-09-01.

Conditions:
Glutaric acidemia type 2C.
Multiple acyl-CoA dehydrogenase deficiency (MADD). Also called: ETHYLMALONIC-ADIPICACIDURIA; GA II; Glutaric aciduria, type 2; Glutaric acidemia type II; GA 2; Glutaric Acidemia type 2. Identifiers: Orphanet 26791, MedGen C0268596, MONDO:0009282, OMIM 231680.

Allele frequency attached by ClinVar (database versions not stated): gnomAD 0.00003; TOPMed 0.00003.
gnomAD v4.1: 28 of 1,614,034 alleles (0.0017%); highest among the groups gnomAD compares: Admixed American, 0.042%; no homozygotes.

Submissions (3):

CeGaT Center for Human Genetics Tuebingen
Classification: Likely benign. Last evaluated: 2026-09-01. Review status: criteria provided, single submitter. Criteria: CeGaT Center For Human Genetics Tuebingen Variant Classification Criteria Version 2. Collection method: clinical testing. Allele origin: germline. Affected: yes. Observed: 1 variant allele.
Comment: ETFDH: BP4, BP7

Labcorp Genetics (formerly Invitae), Labcorp
Classification: Likely benign for Multiple acyl-CoA dehydrogenase deficiency. Last evaluated: 2026-02-01. Review status: criteria provided, single submitter. Criteria: Invitae Variant Classification Sherloc (09022015). Collection method: clinical testing. Allele origin: germline.

Natera, Inc.
Classification: Uncertain significance for Glutaric acidemia type 2C. Last evaluated: 2020-03-10. Review status: no assertion criteria provided. Collection method: clinical testing. Allele origin: germline. Not counted in ClinVar's aggregate classification.

NM_004453.4(ETFDH):c.1560A>C (p.Ser520=)

Gene: ETFDH (electron transfer flavoprotein dehydrogenase; plus strand). Cytogenetic location: 4q32.1.
Variant type: single nucleotide variant.
Coding change: c.1560A>C on transcript NM_004453.4 (MANE Select); coding-DNA position 1560, A replaced by C.
Protein change: p.Ser520=; no amino-acid change (serine 520 retained).
Molecular consequence: synonymous variant.
Genome position (GRCh38, 1-based): chr4:158,706,720, A>C. VCF-style: chr4-158706720-A-C. GRCh37 (hg19) VCF-style: chr4-159627872-A-C.
Other names: c.1419A>C, p.Ser473= (NM_001281737.2); c.1377A>C, p.Ser459= (NM_001281738.1).
Identifiers: ClinVar variation 723925 (VCV000723925.13), dbSNP rs566844923, ClinGen allele CA3122660.